The following is an entry in ClinVar:

ClinVar aggregate classification (germline): Uncertain significance. Review status: criteria provided, multiple submitters, no conflicts (2 of 4 stars). 2 submissions from 2 submitters: Uncertain significance (2). Last evaluated 2025-05-09.

Conditions:
Long QT syndrome (LQTS). Identifiers: MedGen C0023976, MeSH D008133, MONDO:0002442. Disease mechanism: loss of function. Inheritance: Various modes of inheritance.

Allele frequency attached by ClinVar (database versions not stated): gnomAD exomes below 0.00001.
gnomAD v4.1: 1 of 1,614,128 alleles (0.000062%); highest among the groups gnomAD compares: Non-Finnish European, 0.000085%; no homozygotes.

Submissions (2):

GeneDx
Classification: Uncertain significance. Last evaluated: 2025-05-09. Review status: criteria provided, single submitter. Criteria: GeneDx Variant Classification Process June 2021. Collection method: clinical testing. Allele origin: germline. Affected: yes.
Comment: Not observed at significant frequency in large population cohorts (gnomAD); In silico analysis suggests that this missense variant does not alter protein structure/function; Has not been previously published as pathogenic or benign to our knowledge

Labcorp Genetics (formerly Invitae), Labcorp
Classification: Uncertain significance for Long QT syndrome. Last evaluated: 2022-03-18. Review status: criteria provided, single submitter. Criteria: Invitae Variant Classification Sherloc (09022015). Collection method: clinical testing. Allele origin: germline.
Comment: This sequence change replaces proline, which is neutral and non-polar, with serine, which is neutral and polar, at codon 1965 of the ANK2 protein (p.Pro1965Ser). This variant is not present in population databases (gnomAD no frequency). This variant has not been reported in the literature in individuals affected with ANK2-related conditions. ClinVar contains an entry for this variant (Variation ID: 1045080). Algorithms developed to predict the effect of missense changes on protein structure and function are either unavailable or do not agree on the potential impact of this missense change (SIFT: "Tolerated"; PolyPhen-2: "Possibly Damaging"; Align-GVGD: "Class C0"). In summary, the available evidence is currently insufficient to determine the role of this variant in disease. Therefore, it has been classified as a Variant of Uncertain Significance.

NM_001148.6(ANK2):c.5893C>T (p.Pro1965Ser)

Genes: ANK2 (ankyrin 2; plus strand), LOC126807136 (MED14-independent group 3 enhancer GRCh37_chr4:114274931-114276130; plus strand). Cytogenetic location: 4q26.
Variant type: single nucleotide variant.
Coding change: c.5893C>T on transcript NM_001148.6 (MANE Select); coding-DNA position 5893, C replaced by T.
Protein change: p.Pro1965Ser; replaces proline 1965 with serine.
Molecular consequence: missense variant. On other transcripts: intron variant (68).
Genome position (GRCh38, 1-based): chr4:113,354,511, C>T. VCF-style: chr4-113354511-C-T. GRCh37 (hg19) VCF-style: chr4-114275667-C-T.
Other names: c.5659C>T, p.Pro1887Ser (NM_001386142.1); c.2293C>T, p.Pro765Ser (NM_001386166.1); c.6034C>T, p.Pro2012Ser (NM_001386174.1); c.6010C>T, p.Pro2004Ser (NM_001386175.1); c.4411+4262C>T (NM_001386186.2, NM_001386148.2); c.4213+4262C>T (NM_001354269.3); c.4291+4262C>T (NM_001386187.2); c.4252+4262C>T (NM_001386147.1); and 35 more; short protein forms P2012S, P1887S, P1965S, P2004S, P765S.
Identifiers: ClinVar variation 1045080 (VCV001045080.9), dbSNP rs2095620859, ClinGen allele CA357921630.